The following is an entry in ClinVar:

NM_000038.6(APC):c.4361A>T (p.Lys1454Ile)

Gene: APC (APC regulator of Wnt signaling pathway; plus strand). Cytogenetic location: 5q22.2.
Variant type: single nucleotide variant.
Coding change: c.4361A>T on transcript NM_000038.6 (MANE Select); coding-DNA position 4361, A replaced by T.
Protein change: p.Lys1454Ile; replaces lysine 1454 with isoleucine.
Molecular consequence: missense variant.
Genome position (GRCh38, 1-based): chr5:112,839,955, A>T. VCF-style: chr5-112839955-A-T. GRCh37 (hg19) VCF-style: chr5-112175652-A-T.
Other names: c.4361A>T, p.Lys1454Ile (NM_001127510.3, NM_001354895.2); c.4307A>T, p.Lys1436Ile (NM_001127511.3); c.4415A>T, p.Lys1472Ile (NM_001354896.2); c.4391A>T, p.Lys1464Ile (NM_001354897.2); c.4286A>T, p.Lys1429Ile (NM_001354898.2); c.4277A>T, p.Lys1426Ile (NM_001354899.2); c.4238A>T, p.Lys1413Ile (NM_001354900.2); c.4184A>T, p.Lys1395Ile (NM_001354901.2); and 5 more; short protein forms K1454I, K1436I, K1353I, K1429I, K1472I, K1294I, K1363I, K1395I.
Identifiers: ClinVar variation 630564 (VCV000630564.6), dbSNP rs1561591863, ClinGen allele CA16030883.

ClinVar aggregate classification (germline): Uncertain significance. Review status: criteria provided, multiple submitters, no conflicts (2 of 4 stars). 2 submissions from 2 submitters: Uncertain significance (2). Last evaluated 2024-03-06.

Conditions:
Hereditary cancer-predisposing syndrome. Also called: Tumor predisposition; Neoplastic Syndromes, Hereditary; Hereditary neoplastic syndrome; Hereditary Cancer Syndrome. Identifiers: Orphanet 140162, MedGen C0027672, MeSH D009386, MONDO:0015356.

Submissions (2):

Color Diagnostics, LLC DBA Color Health
Classification: Uncertain significance for Hereditary cancer-predisposing syndrome. Last evaluated: 2024-03-06. Review status: criteria provided, single submitter. Criteria: ACMG Guidelines, 2015. Collection method: clinical testing. Allele origin: germline.
Comment: This missense variant replaces lysine with isoleucine at codon 1454 of the APC protein. Computational prediction is inconclusive regarding the impact of this variant on protein structure and function (internally defined REVEL score threshold 0.5 < inconclusive < 0.7, PMID: 27666373). Splice site prediction tools suggest that this variant may not impact RNA splicing. To our knowledge, functional studies have not been reported for this variant. This variant has not been reported in individuals affected with hereditary cancer in the literature. This variant has not been identified in the general population by the Genome Aggregation Database (gnomAD). The available evidence is insufficient to determine the role of this variant in disease conclusively. Therefore, this variant is classified as a Variant of Uncertain Significance.

Ambry Genetics
Classification: Uncertain significance for Hereditary cancer-predisposing syndrome. Last evaluated: 2023-10-04. Review status: criteria provided, single submitter. Criteria: Ambry Variant Classification Scheme 2023. Collection method: clinical testing. Allele origin: germline.
Comment: The p.K1454I variant (also known as c.4361A>T), located in coding exon 15 of the APC gene, results from an A to T substitution at nucleotide position 4361. The lysine at codon 1454 is replaced by isoleucine, an amino acid with dissimilar properties. This amino acid position is conserved. In addition, in silico predictors for this gene do not accurately predict pathogenicity. Since supporting evidence is limited at this time, the clinical significance of this alteration remains unclear.